The following is an entry in ClinVar:

NM_005633.4(SOS1):c.3571G>C (p.Ala1191Pro)

Gene: SOS1 (SOS Ras/Rac guanine nucleotide exchange factor 1; minus strand). Cytogenetic location: 2p22.1.
Variant type: single nucleotide variant.
Coding change: c.3571G>C on transcript NM_005633.4 (MANE Select); coding-DNA position 3571, G replaced by C.
Protein change: p.Ala1191Pro; replaces alanine 1191 with proline.
Molecular consequence: missense variant.
Genome position (GRCh38, 1-based): chr2:38,986,255, C>G on the plus strand (G>C on the coding strand, the complement: SOS1 is on the minus strand). VCF-style: chr2-38986255-C-G. GRCh37 (hg19) VCF-style: chr2-39213396-C-G.
Other names: c.3550G>C, p.Ala1184Pro (NM_001382394.1); c.3526G>C, p.Ala1176Pro (NM_001382395.1); short protein forms A1176P, A1184P, A1191P.
Identifiers: ClinVar variation 3365845 (VCV003365845.1).
Genomic context (GRCh38, chr2:38,986,255, plus strand): 5'-GGCTTTCAGGAGGGTCTGAGATAGAGGTCCGGTCTGATATTGAATATCGTGGTGAATAGG[C>G]TTTTGATGTGGGTTGCCTAGGAGGAATGGCTGGGGGACTGTCCAAATGCTTAGACATAAT-3'
Protein context (NP_005624.2, residues 1181-1201): AIPPRQPTSK[Ala1191Pro]YSPRYSISDR

ClinVar aggregate classification (germline): Uncertain significance (1 of 4 stars; one submission).

Submission:

GeneDx
Classification: Uncertain significance. Last evaluated: 2023-12-16. Review status: criteria provided, single submitter. Criteria: GeneDx Variant Classification Process June 2021. Collection method: clinical testing. Allele origin: germline. Affected: yes.
Comment: Not observed at significant frequency in large population cohorts (gnomAD); In silico analysis supports that this missense variant does not alter protein structure/function; Missense variants in this gene are a common cause of disease and they are underrepresented in the general population; Has not been previously published as pathogenic or benign to our knowledge; This variant is associated with the following publications: (PMID: 29493581)